The following is an entry in ClinVar:

ClinVar aggregate classification (germline): Uncertain significance (1 of 4 stars; one submission).

Submission:

Labcorp Genetics (formerly Invitae), Labcorp
Classification: Uncertain significance. Last evaluated: 2025-01-11. Review status: criteria provided, single submitter. Criteria: Invitae Variant Classification Sherloc (09022015). Collection method: clinical testing. Allele origin: germline.
Comment: This sequence change replaces glutamic acid, which is acidic and polar, with alanine, which is neutral and non-polar, at codon 771 of the FLNB protein (p.Glu771Ala). This variant is not present in population databases (gnomAD no frequency). This variant has not been reported in the literature in individuals affected with FLNB-related conditions. Invitae Evidence Modeling of protein sequence and biophysical properties (such as structural, functional, and spatial information, amino acid conservation, physicochemical variation, residue mobility, and thermodynamic stability) indicates that this missense variant is not expected to disrupt FLNB protein function with a negative predictive value of 95%. In summary, the available evidence is currently insufficient to determine the role of this variant in disease. Therefore, it has been classified as a Variant of Uncertain Significance.

NM_001457.4(FLNB):c.2312A>C (p.Glu771Ala)

Gene: FLNB (filamin B; plus strand). Cytogenetic location: 3p14.3.
Variant type: single nucleotide variant.
Coding change: c.2312A>C on transcript NM_001457.4 (MANE Select); coding-DNA position 2312, A replaced by C.
Protein change: p.Glu771Ala; replaces glutamic acid 771 with alanine.
Molecular consequence: missense variant.
Genome position (GRCh38, 1-based): chr3:58,109,688, A>C. VCF-style: chr3-58109688-A-C. GRCh37 (hg19) VCF-style: chr3-58095415-A-C.
Other names: c.2312A>C, p.Glu771Ala (NM_001164317.2, NM_001164318.2, NM_001164319.2); short protein forms E771A.
Identifiers: ClinVar variation 3635707 (VCV003635707.2).
Genomic context (GRCh38, chr3:58,109,688, plus strand): 5'-GTGTGGAGAGAAGTGGTCTGAAGGCAAATGAACCTACACACTTCACGGTGGACTGTACTG[A>C]GGCTGGGGAAGGTGAGAAAGGGCTTTGTTCAACCCAGTGATCATTGCTCCGTGGGGAAGG-3'
Protein context (NP_001448.2, residues 761-781): EPTHFTVDCT[Glu771Ala]AGEGDVSVGI